The following is an entry in ClinVar:

ClinVar aggregate classification (germline): Uncertain significance. Review status: criteria provided, multiple submitters, no conflicts (2 of 4 stars). 2 submissions from 2 submitters: Uncertain significance (2). Last evaluated 2025-08-25.

Conditions:
Inborn genetic diseases. Identifiers: MedGen C0950123, MeSH D030342.
Acromesomelic dysplasia 1, Maroteaux type (AMD1). Also called: ACROMESOMELIC DYSPLASIA 1; ST. HELENA DYSPLASIA. Identifiers: Orphanet 40, MedGen C1864356, MONDO:0011275, OMIM 602875.
Tall stature-scoliosis-macrodactyly of the great toes syndrome. Also called: Epiphyseal chondrodysplasia, miura type. Identifiers: Orphanet 329191, MedGen C4014690, MONDO:0014401, OMIM 615923.

Allele frequency attached by ClinVar (database versions not stated): gnomAD exomes 0.00001; ExAC 0.00002.
gnomAD v4.1: 10 of 1,614,210 alleles (0.00062%); highest among the groups gnomAD compares: Admixed American, 0.005%; no homozygotes.

Submissions (2):

Labcorp Genetics (formerly Invitae), Labcorp
Classification: Uncertain significance for Tall stature-scoliosis-macrodactyly of the great toes syndrome; Acromesomelic dysplasia 1, Maroteaux type. Last evaluated: 2025-08-25. Review status: criteria provided, single submitter. Criteria: Invitae Variant Classification Sherloc (09022015). Collection method: clinical testing. Allele origin: germline.
Comment: This sequence change replaces arginine, which is basic and polar, with glutamine, which is neutral and polar, at codon 272 of the NPR2 protein (p.Arg272Gln). This variant is present in population databases (rs752154441, gnomAD 0.009%). This variant has not been reported in the literature in individuals affected with NPR2-related conditions. ClinVar contains an entry for this variant (Variation ID: 1479101). Invitae Evidence Modeling of protein sequence and biophysical properties (such as structural, functional, and spatial information, amino acid conservation, physicochemical variation, residue mobility, and thermodynamic stability) indicates that this missense variant is not expected to disrupt NPR2 protein function with a negative predictive value of 80%. In summary, the available evidence is currently insufficient to determine the role of this variant in disease. Therefore, it has been classified as a Variant of Uncertain Significance.

Ambry Genetics
Classification: Uncertain significance for Inborn genetic diseases. Last evaluated: 2025-03-25. Review status: criteria provided, single submitter. Criteria: Ambry Variant Classification Scheme 2023. Collection method: clinical testing. Allele origin: germline.

NM_003995.4(NPR2):c.815G>A (p.Arg272Gln)

Gene: NPR2 (natriuretic peptide receptor 2; plus strand). Cytogenetic location: 9p13.3.
Variant type: single nucleotide variant.
Coding change: c.815G>A on transcript NM_003995.4 (MANE Select); coding-DNA position 815, G replaced by A.
Protein change: p.Arg272Gln; replaces arginine 272 with glutamine.
Molecular consequence: missense variant.
Genome position (GRCh38, 1-based): chr9:35,794,045, G>A. VCF-style: chr9-35794045-G-A. GRCh37 (hg19) VCF-style: chr9-35794042-G-A.
Other names: c.815G>A, p.Arg272Gln (NM_001378923.1); c.815G>A (NM_003995.3); short protein forms R272Q.
Identifiers: ClinVar variation 1479101 (VCV001479101.7), dbSNP rs752154441, ClinGen allele CA5051518.